The following is an entry in ClinVar:

ClinVar aggregate classification (germline): Uncertain significance. Review status: criteria provided, multiple submitters, no conflicts (2 of 4 stars). 3 submissions from 3 submitters: Uncertain significance (3). Last evaluated 2024-05-31.

Conditions:
Lynch syndrome 4 (LYNCH4). Also called: Colorectal cancer, hereditary nonpolyposis, type 4; Hereditary non-polyposis colorectal cancer, type 4. Identifiers: Orphanet 144, MedGen C1838333, MONDO:0013699, OMIM 614337. Disease mechanism: loss of function.
Hereditary nonpolyposis colorectal neoplasms. Identifiers: MedGen C0009405, MeSH D003123.

Submissions (3):

Labcorp Genetics (formerly Invitae), Labcorp
Classification: Uncertain significance for Hereditary nonpolyposis colorectal neoplasms. Last evaluated: 2024-05-31. Review status: criteria provided, single submitter. Criteria: Invitae Variant Classification Sherloc (09022015). Collection method: clinical testing. Allele origin: germline.
Comment: This variant, c.774_776del, results in the deletion of 1 amino acid(s) of the PMS2 protein (p.Cys259del), but otherwise preserves the integrity of the reading frame. This variant is not present in population databases (gnomAD no frequency). This variant has not been reported in the literature in individuals affected with PMS2-related conditions. ClinVar contains an entry for this variant (Variation ID: 1804156). Experimental studies and prediction algorithms are not available or were not evaluated, and the functional significance of this variant is currently unknown. In summary, the available evidence is currently insufficient to determine the role of this variant in disease. Therefore, it has been classified as a Variant of Uncertain Significance.

Women's Health and Genetics/Laboratory Corporation of America, LabCorp
Classification: Uncertain significance. Last evaluated: 2023-10-10. Review status: criteria provided, single submitter. Criteria: LabCorp Variant Classification Summary - May 2015. Collection method: clinical testing. Allele origin: germline.
Comment: Variant summary: PMS2 c.774_776delCTG (p.Cys259del) results in an in-frame deletion that is predicted to remove one amino acid from the encoded protein. The variant was absent in 250984 control chromosomes. The available data on variant occurrences in the general population are insufficient to allow any conclusion about variant significance. To our knowledge, no occurrence of c.774_776delCTG in individuals affected with Lynch Syndrome and no experimental evidence demonstrating its impact on protein function have been reported. One submitter has cited clinical-significance assessments for this variant to ClinVar after 2014 and has classified the variant as uncertain significance. Based on the evidence outlined above, the variant was classified as uncertain significance.

Institute of Human Genetics, University of Leipzig Medical Center
Classification: Uncertain significance for Lynch syndrome 4. Last evaluated: 2022-12-07. Review status: criteria provided, single submitter. Criteria: ACMG Guidelines, 2015. Collection method: clinical testing. Allele origin: unknown. Affected: yes.
Comment: _x000D_This variant was identified as compound heterozygous with NM_000535.7:c.778_780delinsACG. Criteria applied: PM2_SUP, PM4_SUP

NM_000535.7(PMS2):c.774_776del (p.Cys259del)

Gene: PMS2 (PMS1 homolog 2, mismatch repair system component; minus strand). Cytogenetic location: 7p22.1.
Variant type: Deletion.
Coding change: c.774_776del on transcript NM_000535.7 (MANE Select); coding-DNA positions 774 to 776, 3 bases deleted (CTG; older notation c.774_776delCTG).
Protein change: p.Cys259del; deletes cysteine 259.
Molecular consequence: inframe deletion. On other transcripts: 5 prime UTR variant (2), non-coding transcript variant (1).
Genome position (GRCh38, 1-based): chr7:5,997,353-5,997,355, CAG deleted on the plus strand (CTG on the coding strand, the reverse complement: PMS2 is on the minus strand); deleting any 3 consecutive bases within chr7:5,997,353-5,997,356 gives the same sequence; the c. name uses the placement nearest the transcript's 3' end. VCF-style (leftmost placement, unchanged base first): chr7-5997352-ACAG-A. GRCh37 (hg19) VCF-style: chr7-6036983-ACAG-A.
Other names: c.774_776delCTG (NM_000535.7); c.369_371del, p.Cys124del (NM_001322003.2, NM_001322004.2, NM_001322005.2 and 2 more transcripts); c.774_776del, p.Cys259del (NM_001322006.2, NM_001322014.2); c.456_458del, p.Cys153del (NM_001322007.2, NM_001322008.2); c.-160_-158del (NM_001322011.2, NM_001322012.2); c.201_203del, p.Cys68del (NM_001322013.2); c.465_467del, p.Cys156del (NM_001322015.2); short protein forms C124del, C153del, C156del, C259del, C68del.
Identifiers: ClinVar variation 1804156 (VCV001804156.5), dbSNP rs1212575852, ClinGen allele CA840187283.